The following is an entry in ClinVar:

NM_015662.3(IFT172):c.455_462dup (p.Val155fs)

Gene: IFT172 (intraflagellar transport 172; minus strand). Cytogenetic location: 2p23.3.
Variant type: Duplication.
Coding change: c.455_462dup on transcript NM_015662.3 (MANE Select); coding-DNA positions 455 to 462, 8 bases duplicated (AGTCTTAC; older notation c.455_462dupAGTCTTAC).
Protein change: p.Val155fs; shifts the reading frame from valine 155.
Molecular consequence: frameshift variant.
Genome position (GRCh38, 1-based): chr2:27,483,600-27,483,607, GTAAGACT duplicated on the plus strand (AGTCTTAC on the coding strand, the reverse complement: IFT172 is on the minus strand). VCF-style (leftmost placement, unchanged base first): chr2-27483599-C-CGTAAGACT. GRCh37 (hg19) VCF-style: chr2-27706466-C-CGTAAGACT.
Other names: c.455_462dup, p.Val155Serfs (NM_001410739.1); c.455_462dup8 (NM_015662.2); short protein forms V155fs.
Identifiers: ClinVar variation 2083818 (VCV002083818.7), dbSNP rs1455656088, ClinGen allele CA767396376.

ClinVar aggregate classification (germline): Pathogenic/Likely pathogenic. Review status: criteria provided, multiple submitters, no conflicts (2 of 4 stars). 4 submissions from 4 submitters: Pathogenic (1); Likely pathogenic (3). Last evaluated 2026-05-12.

Conditions:
Short-rib thoracic dysplasia 10 with or without polydactyly (SRTD10). Identifiers: Orphanet 474, MedGen C3810175, MONDO:0014284, OMIM 615630.
Retinitis pigmentosa 71 (RP71). Identifiers: Orphanet 791, MedGen C4225342, MONDO:0014618, OMIM 616394.
Bardet-Biedl syndrome 20. Identifiers: MedGen C4310707, MONDO:0023670, OMIM 619471, MONDO:0014926.
IFT172-related disorder. Also called: IFT172-related condition; IFT172-related disorders.

Allele frequency attached by ClinVar (database versions not stated): gnomAD 0.00001; TOPMed 0.00001.

Submissions (4):

PreventionGenetics, part of Exact Sciences
Classification: Likely pathogenic for IFT172-related condition. Last evaluated: 2026-05-12. Review status: criteria provided, single submitter. Criteria: ACMG Guidelines, 2015. Collection method: clinical testing. Allele origin: germline.
Comment: The IFT172 c.455_462dup8 variant is predicted to result in a frameshift and premature protein termination (p.Val155Serfs*7). To our knowledge, this variant has not been reported in the literature or in a large population database (gnomAD), indicating this variant is rare. Frameshift variants in IFT172 are expected to be pathogenic. This variant is interpreted as likely pathogenic.

Labcorp Genetics (formerly Invitae), Labcorp
Classification: Pathogenic for Retinitis pigmentosa 71; Short-rib thoracic dysplasia 10 with or without polydactyly. Last evaluated: 2024-06-22. Review status: criteria provided, single submitter. Criteria: Invitae Variant Classification Sherloc (09022015). Collection method: clinical testing. Allele origin: germline.
Comment: This sequence change creates a premature translational stop signal (p.Val155Serfs*7) in the IFT172 gene. It is expected to result in an absent or disrupted protein product. Loss-of-function variants in IFT172 are known to be pathogenic (PMID: 24140113). This variant is not present in population databases (gnomAD no frequency). This variant has not been reported in the literature in individuals affected with IFT172-related conditions. ClinVar contains an entry for this variant (Variation ID: 2083818). For these reasons, this variant has been classified as Pathogenic.

Fulgent Genetics
Classification: Likely pathogenic for Short-rib thoracic dysplasia 10 with or without polydactyly; Retinitis pigmentosa 71; Bardet-Biedl syndrome 20. Last evaluated: 2024-04-20. Review status: criteria provided, single submitter. Criteria: ACMG Guidelines, 2015. Collection method: clinical testing. Allele origin: germline.

Blueprint Genetics
Classification: Likely pathogenic for IFT172-related disorders. Last evaluated: 2019-08-23. Review status: criteria provided, single submitter. Criteria: ACMG Guidelines, 2015. Collection method: clinical testing. Allele origin: germline. Affected: yes. Observed: 1 variant allele.

Literature cited by the submitters: PubMed 24140113 (cited by Labcorp Genetics (formerly Invitae), Labcorp).